The following is an entry in ClinVar:

NM_002206.3(ITGA7):c.2861C>G (p.Thr954Arg)

Gene: ITGA7 (integrin subunit alpha 7; minus strand). Cytogenetic location: 12q13.2.
Variant type: single nucleotide variant.
Coding change: c.2861C>G on transcript NM_002206.3 (MANE Select); coding-DNA position 2861, C replaced by G.
Protein change: p.Thr954Arg; replaces threonine 954 with arginine.
Molecular consequence: missense variant.
Genome position (GRCh38, 1-based): chr12:55,688,941, G>C on the plus strand (C>G on the coding strand, the complement: ITGA7 is on the minus strand). VCF-style: chr12-55688941-G-C. GRCh37 (hg19) VCF-style: chr12-56082725-G-C.
Other names: c.2873C>G, p.Thr958Arg (NM_001144996.2); c.2582C>G, p.Thr861Arg (NM_001144997.2); c.2534C>G, p.Thr845Arg (NM_001367993.1); c.1517C>G, p.Thr506Arg (NM_001367994.1); c.2843C>G, p.Thr948Arg (NM_001374465.1); c.2993C>G, p.Thr998Arg (NM_001410977.1); c.2855C>G, p.Thr952Arg (NM_001414029.1); c.2786C>G, p.Thr929Arg (NM_001414030.1); and 5 more; short protein forms T506R, T958R, T861R, T954R, T845R, T948R, T998R, T879R.
Identifiers: ClinVar variation 1412829 (VCV001412829.7), dbSNP rs142361411, ClinGen allele CA385181121.

ClinVar aggregate classification (germline): Uncertain significance (1 of 4 stars; one submission).

Conditions:
Congenital muscular dystrophy due to integrin alpha-7 deficiency. Also called: Congenital muscular dystrophy with integrin alpha-7 deficiency; MYOPATHY, CONGENITAL, DUE TO INTEGRIN ALPHA-7 DEFICIENCY; Muscular dystrophy, congenital, due to ITGA7 deficiency. Identifiers: Orphanet 34520, MedGen C2750786, MONDO:0013177, OMIM 613204.

gnomAD v4.1: 5 of 1,613,722 alleles (0.00031%); highest among the groups gnomAD compares: Admixed American, 0.0067%; no homozygotes.

Submission:

Labcorp Genetics (formerly Invitae), Labcorp
Classification: Uncertain significance for Congenital muscular dystrophy due to integrin alpha-7 deficiency. Last evaluated: 2021-05-30. Review status: criteria provided, single submitter. Criteria: Invitae Variant Classification Sherloc (09022015). Collection method: clinical testing. Allele origin: germline.
Comment: This variant has not been reported in the literature in individuals with ITGA7-related conditions. This sequence change replaces threonine with arginine at codon 954 of the ITGA7 protein (p.Thr954Arg). The threonine residue is moderately conserved and there is a moderate physicochemical difference between threonine and arginine. This variant is not present in population databases (ExAC no frequency). Algorithms developed to predict the effect of missense changes on protein structure and function are either unavailable or do not agree on the potential impact of this missense change (SIFT: "Deleterious"; PolyPhen-2: "Probably Damaging"; Align-GVGD: "Class C0"). Algorithms developed to predict the effect of sequence changes on RNA splicing suggest that this variant may create or strengthen a splice site, but this prediction has not been confirmed by published transcriptional studies. In summary, the available evidence is currently insufficient to determine the role of this variant in disease. Therefore, it has been classified as a Variant of Uncertain Significance.